The following is an entry in ClinVar:

ClinVar aggregate classification (germline): Uncertain significance. Review status: criteria provided, multiple submitters, no conflicts (2 of 4 stars). 2 submissions from 2 submitters: Uncertain significance (2). Last evaluated 2026-04-01.

Conditions:
Congenital contractural arachnodactyly (CCA). Also called: Arthrogryposis, distal, type 9; BEALS SYNDROME; Beals-Hecht syndrome. Identifiers: Orphanet 115, MedGen C0220668, MONDO:0007363, OMIM 121050.
Familial thoracic aortic aneurysm and aortic dissection (TAAD). Also called: Thoracic aortic aneurysms and dissections. Identifiers: Orphanet 91387, MedGen C4707243, MONDO:0019625.

gnomAD v4.1: 4 of 1,614,002 alleles (0.00025%); highest among the groups gnomAD compares: Non-Finnish European, 0.00034%; no homozygotes.

Submissions (2):

Ambry Genetics
Classification: Uncertain significance for Familial thoracic aortic aneurysm and aortic dissection. Last evaluated: 2026-04-01. Review status: criteria provided, single submitter. Criteria: Ambry Variant Classification Scheme 2023. Collection method: clinical testing. Allele origin: germline.
Comment: The p.V344F variant (also known as c.1030G>T), located in coding exon 8 of the FBN2 gene, results from a G to T substitution at nucleotide position 1030. The valine at codon 344 is replaced by phenylalanine, an amino acid with highly similar properties. This amino acid position is poorly conserved in available vertebrate species. In addition, the in silico prediction for this alteration is inconclusive. Based on the available evidence, the clinical significance of this variant remains unclear.

Labcorp Genetics (formerly Invitae), Labcorp
Classification: Uncertain significance for Congenital contractural arachnodactyly. Last evaluated: 2024-12-24. Review status: criteria provided, single submitter. Criteria: Invitae Variant Classification Sherloc (09022015). Collection method: clinical testing. Allele origin: germline.
Comment: This sequence change replaces valine, which is neutral and non-polar, with phenylalanine, which is neutral and non-polar, at codon 344 of the FBN2 protein (p.Val344Phe). This variant is present in population databases (no rsID available, gnomAD 0.0009%). This variant has not been reported in the literature in individuals affected with FBN2-related conditions. ClinVar contains an entry for this variant (Variation ID: 2161232). Invitae Evidence Modeling of protein sequence and biophysical properties (such as structural, functional, and spatial information, amino acid conservation, physicochemical variation, residue mobility, and thermodynamic stability) indicates that this missense variant is not expected to disrupt FBN2 protein function with a negative predictive value of 80%. In summary, the available evidence is currently insufficient to determine the role of this variant in disease. Therefore, it has been classified as a Variant of Uncertain Significance.

NM_001999.4(FBN2):c.1030G>T (p.Val344Phe)

Gene: FBN2 (fibrillin 2; minus strand). Cytogenetic location: 5q23.3.
Variant type: single nucleotide variant.
Coding change: c.1030G>T on transcript NM_001999.4 (MANE Select); coding-DNA position 1030, G replaced by T.
Protein change: p.Val344Phe; replaces valine 344 with phenylalanine.
Molecular consequence: missense variant.
Genome position (GRCh38, 1-based): chr5:128,408,722, C>A on the plus strand (G>T on the coding strand, the complement: FBN2 is on the minus strand). VCF-style: chr5-128408722-C-A. GRCh37 (hg19) VCF-style: chr5-127744415-C-A.
Other names: c.1030G>T (NM_001999.3); short protein forms V344F.
Identifiers: ClinVar variation 2161232 (VCV002161232.5), dbSNP rs1351006642, ClinGen allele CA360753378.
Genomic context (GRCh38, chr5:128,408,722, plus strand): 5'-TGCGAGGCTTACCGATGCATCGAGAGCCATCTGTTGAGGTTACATATCCACGTGGACAAA[C>A]ACAAAAATAGCTTCCCACGGTGTTGGAACATTCACCAGTTTCACATATCCCAGGAATGAT-3'
Protein context (NP_001990.2, residues 334-354): CSNTVGSYFC[Val344Phe]CPRGYVTSTD